The following is an entry in ClinVar:

NM_024809.5(TCTN2):c.1641C>T (p.Asp547=)

Gene: TCTN2 (tectonic family member 2; plus strand). Cytogenetic location: 12q24.31.
Variant type: single nucleotide variant.
Coding change: c.1641C>T on transcript NM_024809.5 (MANE Select); coding-DNA position 1641, C replaced by T.
Protein change: p.Asp547=; no amino-acid change (aspartic acid 547 retained).
Molecular consequence: synonymous variant.
Genome position (GRCh38, 1-based): chr12:123,704,560, C>T. VCF-style: chr12-123704560-C-T. GRCh37 (hg19) VCF-style: chr12-124189107-C-T.
Other names: c.1638C>T, p.Asp546= (NM_001143850.3).
Identifiers: ClinVar variation 703744 (VCV000703744.10), dbSNP rs555666775, ClinGen allele CA6861290.
Genomic context (GRCh38, chr12:123,704,560, plus strand): 5'-TTTGAAAAGTGTATAACTTAACATTTCTATAGGTGTAGATGCCCCTGATCCAGGTGCAGA[C>T]CCGCTGGCTAGCAGTGTGAACGGCATGTGCCTGGATATTCCTGCTCACCTGAGCATCCGC-3'
Protein context (NP_079085.2, residues 537-557): IRVDAPDPGA[Asp547=]PLASSVNGMC

ClinVar aggregate classification (germline): Likely benign. Review status: criteria provided, multiple submitters, no conflicts (2 of 4 stars). 3 submissions from 3 submitters: Likely benign (2). 1 of the submissions does not count toward it. Last evaluated 2026-01-26.

Conditions:
Meckel-Gruber syndrome. Also called: DYSENCEPHALIA SPLANCHNOCYSTICA; GRUBER SYNDROME; Dysencephalia splachnocystica. Identifiers: Orphanet 564, MedGen C0265215, MONDO:0018921.
Joubert syndrome. Also called: JOUBERT-BOLTSHAUSER SYNDROME; Familial aplasia of the vermis. Identifiers: Orphanet 475, MedGen C5979921, MONDO:0018772.
TCTN2-related disorder. Also called: TCTN2-related condition; TCTN2-related disorders. Identifiers: MedGen CN239412.

Allele frequency attached by ClinVar (database versions not stated): gnomAD below 0.00001 and 0.00003; gnomAD exomes 0.00009 and 0.00018; 1000 Genomes Project 30x 0.00016; 1000 Genomes Project 0.00020; ExAC 0.00027.
gnomAD v4.1: 133 of 1,611,562 alleles (0.0083%); highest among the groups gnomAD compares: Middle Eastern, 0.45%; 4 homozygotes.

Submissions (3):

Labcorp Genetics (formerly Invitae), Labcorp
Classification: Likely benign for Joubert syndrome; Meckel-Gruber syndrome. Last evaluated: 2026-01-26. Review status: criteria provided, single submitter. Criteria: Invitae Variant Classification Sherloc (09022015). Collection method: clinical testing. Allele origin: germline.

Blueprint Genetics
Classification: Likely benign. Last evaluated: 2022-02-17. Review status: criteria provided, single submitter. Criteria: ACMG Guidelines, 2015. Collection method: clinical testing. Allele origin: germline.

PreventionGenetics, part of Exact Sciences
Classification: Likely benign for TCTN2-related condition. Last evaluated: 2019-11-26. Review status: no assertion criteria provided. Collection method: clinical testing. Allele origin: germline. Not counted in ClinVar's aggregate classification.
Comment: This variant is classified as likely benign based on ACMG/AMP sequence variant interpretation guidelines (Richards et al. 2015 PMID: 25741868, with internal and published modifications).